The following is an entry in ClinVar:

NM_030662.4(MAP2K2):c.526G>A (p.Ala176Thr)

Gene: MAP2K2 (mitogen-activated protein kinase kinase 2; minus strand). Cytogenetic location: 19p13.3.
Variant type: single nucleotide variant.
Coding change: c.526G>A on transcript NM_030662.4 (MANE Select); coding-DNA position 526, G replaced by A.
Protein change: p.Ala176Thr; replaces alanine 176 with threonine.
Molecular consequence: missense variant.
Genome position (GRCh38, 1-based): chr19:4,102,378, C>T on the plus strand (G>A on the coding strand, the complement: MAP2K2 is on the minus strand). VCF-style: chr19-4102378-C-T. GRCh37 (hg19) VCF-style: chr19-4102376-C-T.
Other names: short protein forms A176T.
Identifiers: ClinVar variation 1746497 (VCV001746497.9), dbSNP rs767381558, ClinGen allele CA304450474.

ClinVar aggregate classification (germline): Uncertain significance. Review status: criteria provided, multiple submitters, no conflicts (2 of 4 stars). 4 submissions from 4 submitters: Uncertain significance (4). Last evaluated 2026-02-11.

Conditions:
Cardiofaciocutaneous syndrome 4 (CFC4). Also called: MAP2K2-Related Cardiofaciocutaneous Syndrome. Identifiers: Orphanet 1340, MedGen C3809007, MONDO:0014114, OMIM 615280.
Cardiovascular phenotype. Identifiers: MedGen CN230736.
RASopathy. Also called: rasopathies; Noonan spectrum disorder. Identifiers: Orphanet 536391, MedGen C5555857, MONDO:0021060.

Allele frequency attached by ClinVar (database versions not stated): gnomAD exomes 0.00001; gnomAD 0.00001; TOPMed below 0.00001.
gnomAD v4.1: 16 of 1,598,702 alleles (0.001%); highest among the groups gnomAD compares: Middle Eastern, 0.016%; no homozygotes.

Submissions (4):

St. Jude Molecular Pathology, St. Jude Children's Research Hospital
Classification: Uncertain significance for Cardiofaciocutaneous syndrome 4. Last evaluated: 2026-02-11. Review status: criteria provided, single submitter. Criteria: St. Jude Assertion Criteria 2020. Collection method: clinical testing. Allele origin: germline.
Comment: The MAP2K2 c.526G>A p.(Ala176Thr) missense change is absent in gnomAD v2.1.1. The in silico tool REVEL predicts a deleterious effect on protein function, but to our knowledge this prediction has not been confirmed by functional studies. To our knowledge, this variant has not been reported in individuals with cardiofaciocutanous syndrome. In summary, the evidence currently available is insufficient to determine the clinical significance of this variant. It has therefore been classified as of uncertain significance.

Labcorp Genetics (formerly Invitae), Labcorp
Classification: Uncertain significance for RASopathy. Last evaluated: 2025-12-24. Review status: criteria provided, single submitter. Criteria: Invitae Variant Classification Sherloc (09022015). Collection method: clinical testing. Allele origin: germline.
Comment: This sequence change replaces alanine, which is neutral and non-polar, with threonine, which is neutral and polar, at codon 176 of the MAP2K2 protein (p.Ala176Thr). This variant is not present in population databases (gnomAD no frequency). This variant has not been reported in the literature in individuals affected with MAP2K2-related conditions. ClinVar contains an entry for this variant (Variation ID: 1746497). An algorithm developed to predict the effect of missense changes on protein structure and function (PolyPhen-2) suggests that this variant is likely to be disruptive. In summary, the available evidence is currently insufficient to determine the role of this variant in disease. Therefore, it has been classified as a Variant of Uncertain Significance.

ARUP Laboratories, Molecular Genetics and Genomics, ARUP Laboratories
Classification: Uncertain significance for Cardiofaciocutaneous syndrome 4. Last evaluated: 2025-02-25. Review status: criteria provided, single submitter. Criteria: ARUP Molecular Germline Variant Investigation Process 2024. Collection method: clinical testing. Allele origin: germline.
Comment: The MAP2K2 c.526G>A; p.Ala176Thr variant (rs767381558), to our knowledge, is not reported in the medical literature but is reported in ClinVar (Variation ID: 1746497). This variant is absent from the Genome Aggregation Database (v2.1.1), indicating it is not a common polymorphism. Computational analyses predict that this variant is deleterious (REVEL: 0.791). However, given the lack of clinical and functional data, the significance of this variant is uncertain at this time.

Ambry Genetics
Classification: Uncertain significance for Cardiovascular phenotype. Last evaluated: 2021-08-07. Review status: criteria provided, single submitter. Criteria: Ambry Variant Classification Scheme 2023. Collection method: clinical testing. Allele origin: germline.
Comment: The p.A176T variant (also known as c.526G>A), located in coding exon 4 of the MAP2K2 gene, results from a G to A substitution at nucleotide position 526. The alanine at codon 176 is replaced by threonine, an amino acid with similar properties. This amino acid position is conserved. In addition, this alteration is predicted to be deleterious by in silico analysis. Since supporting evidence is limited at this time, the clinical significance of this alteration remains unclear.